The following is an entry in ClinVar:

ClinVar aggregate classification (germline): Uncertain significance (1 of 4 stars; one submission).

Conditions:
Maturity-onset diabetes of the young type 10. Identifiers: Orphanet 552, MedGen C3150617, MONDO:0013240, OMIM 613370.

Submission:

Molecular Genetics, Royal Melbourne Hospital
Classification: Uncertain significance for Maturity-onset diabetes of the young type 10. Last evaluated: 2020-10-26. Review status: criteria provided, single submitter. Criteria: ACMG Guidelines, 2015. Collection method: clinical testing. Allele origin: germline. Affected: yes.
Comment: This sequence change is predicted to replace proline with histidine at codon 52 of the INS protein (p.(Pro52His)). The proline residue is moderately conserved (100 vertebrates, UCSC), and is located in the insulin B-chain peptide. There is a moderate physicochemical difference between proline and histidine. The variant is absent in a large population cohort (gnomAD v2.1 and v3.0), and has not been reported in the relevant medical literature or databases. Multiple lines of computational evidence predict a deleterious effect for the missense substitution (6/6 algorithms). A different missense change with a larger physicochemical difference (p.Pro52Leu) at the same position has been identified in a case with maturity-onset diabetes of the young, and impairs function in an in vitro functional assay (PMID: 32916194). Based on the classification scheme RMH ACMG Guidelines v1.2.1, this variant is classified as a VARIANT OF UNCERTAIN SIGNIFICANCE. Following criteria are met: PM2, PP3.

Literature cited by the submitters: PubMed 32916194.

NM_000207.3(INS):c.155C>A (p.Pro52His)

Genes: INS (insulin; minus strand), INS-IGF2 (INS-IGF2 readthrough; minus strand). Cytogenetic location: 11p15.5.
Variant type: single nucleotide variant.
Coding change: c.155C>A on transcript NM_000207.3 (MANE Select); coding-DNA position 155, C replaced by A.
Protein change: p.Pro52His; replaces proline 52 with histidine.
Molecular consequence: missense variant. On other transcripts: non-coding transcript variant (1).
Genome position (GRCh38, 1-based): chr11:2,160,817, G>T on the plus strand (C>A on the coding strand, the complement: INS is on the minus strand). VCF-style: chr11-2160817-G-T. GRCh37 (hg19) VCF-style: chr11-2182047-G-T.
Other names: c.155C>A, p.Pro52His (NM_001185097.2, NM_001185098.2, NM_001291897.2 and 1 more transcripts); short protein forms P52H.
Identifiers: ClinVar variation 1678636 (VCV001678636.2), dbSNP rs145038693, ClinGen allele CA379121410.